The following is an entry in ClinVar:

NM_001042413.2(GLIS3):c.*2707T>G

Gene: GLIS3 (GLIS family zinc finger 3; minus strand). Cytogenetic location: 9p24.2.
Variant type: single nucleotide variant.
Coding change: c.*2707T>G on transcript NM_001042413.2 (MANE Select); 2707 bases downstream of the stop codon, T replaced by G.
Molecular consequence: 3 prime UTR variant.
Genome position (GRCh38, 1-based): chr9:3,825,565, A>C on the plus strand (T>G on the coding strand, the complement: GLIS3 is on the minus strand). VCF-style: chr9-3825565-A-C. GRCh37 (hg19) VCF-style: chr9-3825565-A-C.
Other names: c.*2707T>G (NM_152629.4).
Identifiers: ClinVar variation 366913 (VCV000366913.5), dbSNP rs76838287, ClinGen allele CA10633705.

ClinVar aggregate classification (germline): Likely benign (1 of 4 stars; one submission).

Conditions:
Neonatal diabetes mellitus with congenital hypothyroidism. Also called: NDH SYNDROME. Identifiers: Orphanet 79118, MedGen C1857775, MONDO:0012436, OMIM 610199.

Allele frequency attached by ClinVar (database versions not stated): 1000 Genomes Project 0.00200; 1000 Genomes Project 30x 0.00234; gnomAD 0.00265 and 0.00282; TOPMed 0.00292.

Submission:

Illumina Laboratory Services, Illumina
Classification: Likely benign for Neonatal diabetes mellitus with congenital hypothyroidism. Last evaluated: 2018-01-13. Review status: criteria provided, single submitter. Criteria: ICSL Variant Classification Criteria 13 December 2019. Collection method: clinical testing. Allele origin: germline.
Comment: This variant was observed in the ICSL laboratory as part of a predisposition screen in an ostensibly healthy population. It had not been previously curated by ICSL or reported in the Human Gene Mutation Database (HGMD: prior to June 1st, 2018), and was therefore a candidate for classification through an automated scoring system. Utilizing variant allele frequency, disease prevalence and penetrance estimates, and inheritance mode, an automated score was calculated to assess if this variant is too frequent to cause the disease. Based on the score and internal cut-off values, a variant classified as likely benign is not then subjected to further curation. The score for this variant resulted in a classification of likely benign for this disease.